The following is an entry in ClinVar:

ClinVar aggregate classification (germline): Pathogenic (1 of 4 stars; one submission).

Conditions:
Retinoblastoma (RB1). Also called: RETINOBLASTOMA, SOMATIC. Identifiers: Orphanet 790, MedGen C0035335, MeSH D012175, MONDO:0008380, OMIM 180200, HP:0009919. Disease mechanism: loss of function. Inheritance: Both sporadic and heritable forms are tested..

Submission:

Labcorp Genetics (formerly Invitae), Labcorp
Classification: Pathogenic for Retinoblastoma. Last evaluated: 2023-08-14. Review status: criteria provided, single submitter. Criteria: Invitae Variant Classification Sherloc (09022015). Collection method: clinical testing. Allele origin: germline.
Comment: This sequence change creates a premature translational stop signal (p.Pro29Argfs*47) in the RB1 gene. It is expected to result in an absent or disrupted protein product. Loss-of-function variants in RB1 are known to be pathogenic (PMID: 17096365). This variant is not present in population databases (gnomAD no frequency). This variant has not been reported in the literature in individuals affected with RB1-related conditions. For these reasons, this variant has been classified as Pathogenic.

Literature cited by the submitters: PubMed 17096365.

NM_000321.3(RB1):c.49_80dup (p.Pro29fs)

Gene: RB1 (RB transcriptional corepressor 1; plus strand). Cytogenetic location: 13q14.2.
Variant type: Duplication.
Coding change: c.49_80dup on transcript NM_000321.3 (MANE Select); coding-DNA positions 49 to 80, 32 bases duplicated.
Protein change: p.Pro29fs; shifts the reading frame from proline 29.
Molecular consequence: frameshift variant.
Genome position (GRCh38, 1-based): chr13:48,303,961-48,303,992, 32 bases duplicated; duplicating any 32 consecutive bases within chr13:48,303,958-48,303,992 gives the same sequence; the c. name uses the placement nearest the transcript's 3' end. GRCh37 (hg19): chr13:48,878,097-48,878,128.
Other names: c.49_80dup, p.Pro29fs (NM_001407165.1, NM_001407166.1, NM_001407167.1); short protein forms P29fs.
Identifiers: ClinVar variation 2752472 (VCV002752472.3), dbSNP rs2542093585, ClinGen allele CA2697551899.
Genomic context (GRCh38, chr13:48,303,957, plus strand): 5'-GCCGCGGAAAGGCGTCATGCCGCCCAAAACCCCCCGAAAAACGGCCGCCACCGCCGCCGC[T>TGCCGCCGCGGAACCCCCGGCACCGCCGCCGCC]GCCGCCGCGGAACCCCCGGCACCGCCGCCGCCGCCCCCTCCTGAGGAGGACCCAGAGCAG-3'